The following is an entry in ClinVar:

NM_003038.5(SLC1A4):c.466G>A (p.Glu156Lys)

Gene: SLC1A4 (solute carrier family 1 member 4; plus strand). Cytogenetic location: 2p14.
Variant type: single nucleotide variant.
Coding change: c.466G>A on transcript NM_003038.5 (MANE Select); coding-DNA position 466, G replaced by A.
Protein change: p.Glu156Lys; replaces glutamic acid 156 with lysine.
Molecular consequence: missense variant. On other transcripts: intron variant (3).
Genome position (GRCh38, 1-based): chr2:64,990,109, G>A. VCF-style: chr2-64990109-G-A. GRCh37 (hg19) VCF-style: chr2-65217243-G-A.
Other names: c.-134+1489G>A (NM_001348406.2, NM_001193493.2); c.-134+1555G>A (NM_001348407.2); short protein forms E156K.
Identifiers: ClinVar variation 2129823 (VCV002129823.4), dbSNP rs1672997147, ClinGen allele CA347078934.

ClinVar aggregate classification (germline): Uncertain significance (1 of 4 stars; one submission).

Allele frequency attached by ClinVar (database versions not stated): TOPMed below 0.00001; gnomAD 0.00001; gnomAD exomes 0.00001.

Submission:

Labcorp Genetics (formerly Invitae), Labcorp
Classification: Uncertain significance. Last evaluated: 2023-08-17. Review status: criteria provided, single submitter. Criteria: Invitae Variant Classification Sherloc (09022015). Collection method: clinical testing. Allele origin: germline.
Comment: An algorithm developed to predict the effect of missense changes on protein structure and function (PolyPhen-2) suggests that this variant is likely to be tolerated. In summary, the available evidence is currently insufficient to determine the role of this variant in disease. Therefore, it has been classified as a Variant of Uncertain Significance. ClinVar contains an entry for this variant (Variation ID: 2129823). This variant has not been reported in the literature in individuals affected with SLC1A4-related conditions. This variant is not present in population databases (gnomAD no frequency). This sequence change replaces glutamic acid, which is acidic and polar, with lysine, which is basic and polar, at codon 156 of the SLC1A4 protein (p.Glu156Lys).